The following is an entry in ClinVar:

NM_001243279.3(ACSF3):c.1202A>T (p.Tyr401Phe)

Gene: ACSF3 (acyl-CoA synthetase family member 3; plus strand). Cytogenetic location: 16q24.3.
Variant type: single nucleotide variant.
Coding change: c.1202A>T on transcript NM_001243279.3 (MANE Select); coding-DNA position 1202, A replaced by T.
Protein change: p.Tyr401Phe; replaces tyrosine 401 with phenylalanine.
Molecular consequence: missense variant. On other transcripts: non-coding transcript variant (3).
Genome position (GRCh38, 1-based): chr16:89,120,876, A>T. VCF-style: chr16-89120876-A-T. GRCh37 (hg19) VCF-style: chr16-89187284-A-T.
Other names: c.1202A>T, p.Tyr401Phe (NM_001127214.4, NM_174917.5); c.407A>T, p.Tyr136Phe (NM_001284316.2); short protein forms Y136F, Y401F.
Identifiers: ClinVar variation 3906286 (VCV003906286.2).

ClinVar aggregate classification (germline): Uncertain significance (1 of 4 stars; one submission).

Submission:

GeneDx
Classification: Uncertain significance. Last evaluated: 2026-03-03. Review status: criteria provided, single submitter. Criteria: GeneDx Variant Classification Process June 2021. Collection method: clinical testing. Allele origin: germline.
Comment: Not observed at significant frequency in large population cohorts (gnomAD); In silico analysis suggests that this missense variant does not alter protein structure/function; Has not been previously published as pathogenic or benign to our knowledge